The following is an entry in ClinVar:

ClinVar aggregate classification (germline): Likely benign (1 of 4 stars; one submission).

Submission:

GeneDx
Classification: Likely benign. Last evaluated: 2017-04-11. Review status: criteria provided, single submitter. Criteria: GeneDx Variant Classification (06012015). Collection method: clinical testing. Allele origin: germline. Affected: yes.
Comment: This variant is considered likely benign or benign based on one or more of the following criteria: it is a conservative change, it occurs at a poorly conserved position in the protein, it is predicted to be benign by multiple in silico algorithms, and/or has population frequency not consistent with disease.

NM_000032.5(ALAS2):c.639-24_639-20dup

Gene: ALAS2 (5'-aminolevulinate synthase 2; minus strand). Cytogenetic location: Xp11.21.
Variant type: Duplication.
Coding change: c.639-24_639-20dup on transcript NM_000032.5 (MANE Select); 24 bases into the intron before coding-DNA position 639 through 20 bases into the intron before coding-DNA position 639, 5 bases duplicated (TTTCT; older notation c.639-24_639-20dupTTTCT).
Molecular consequence: intron variant.
Genome position (GRCh38, 1-based): chrX:55,020,524-55,020,528, AGAAA duplicated on the plus strand (TTTCT on the coding strand, the reverse complement: ALAS2 is on the minus strand); duplicating any 5 consecutive bases within chrX:55,020,524-55,020,530 gives the same sequence; the c. name uses the placement nearest the transcript's 3' end. VCF-style (leftmost placement, unchanged base first): chrX-55020523-G-GAGAAA. GRCh37 (hg19) VCF-style: chrX-55046956-G-GAGAAA.
Other names: c.528-24_528-20dup (NM_001037967.4); c.600-24_600-20dup (NM_001037968.4); c.639-24_639-20dupTTTCT (NM_000032.4).
Identifiers: ClinVar variation 508415 (VCV000508415.1), dbSNP rs774073760, ClinGen allele CA10428400.